The following is an entry in ClinVar:

ClinVar aggregate classification (germline): Uncertain significance. Review status: criteria provided, multiple submitters, no conflicts (2 of 4 stars). 2 submissions from 2 submitters: Uncertain significance (2). Last evaluated 2024-05-13.

Conditions:
LAMB2-related infantile-onset nephrotic syndrome. Also called: NEPHROTIC SYNDROME, TYPE 5, WITHOUT OCULAR ABNORMALITIES; NEPHROTIC SYNDROME, TYPE 5, WITH OCULAR ABNORMALITIES; Nephrotic Syndrome, type 5. Identifiers: Orphanet 306507, MedGen C3280113, MONDO:0013621, OMIM 614199.
Pierson syndrome. Also called: MICROCORIA-CONGENITAL NEPHROTIC SYNDROME. Identifiers: Orphanet 2670, MedGen C1836876, MONDO:0012184, OMIM 609049.

Allele frequency attached by ClinVar (database versions not stated): TOPMed 0.00002.
gnomAD v4.1: 10 of 1,614,038 alleles (0.00062%); highest among the groups gnomAD compares: Admixed American, 0.0083%; no homozygotes.

Submissions (2):

Fulgent Genetics
Classification: Uncertain significance for Pierson syndrome; LAMB2-related infantile-onset nephrotic syndrome. Last evaluated: 2024-05-13. Review status: criteria provided, single submitter. Criteria: ACMG Guidelines, 2015. Collection method: clinical testing. Allele origin: germline.

Labcorp Genetics (formerly Invitae), Labcorp
Classification: Uncertain significance for LAMB2-related infantile-onset nephrotic syndrome; Pierson syndrome. Last evaluated: 2022-07-19. Review status: criteria provided, single submitter. Criteria: Invitae Variant Classification Sherloc (09022015). Collection method: clinical testing. Allele origin: germline.
Comment: In summary, the available evidence is currently insufficient to determine the role of this variant in disease. Therefore, it has been classified as a Variant of Uncertain Significance. Algorithms developed to predict the effect of missense changes on protein structure and function (SIFT, PolyPhen-2, Align-GVGD) all suggest that this variant is likely to be tolerated. ClinVar contains an entry for this variant (Variation ID: 651165). This variant has not been reported in the literature in individuals affected with LAMB2-related conditions. This variant is present in population databases (rs142860588, gnomAD 0.006%). This sequence change replaces glycine, which is neutral and non-polar, with alanine, which is neutral and non-polar, at codon 700 of the LAMB2 protein (p.Gly700Ala).

NM_002292.4(LAMB2):c.2099G>C (p.Gly700Ala)

Gene: LAMB2 (laminin subunit beta 2; minus strand). Cytogenetic location: 3p21.31.
Variant type: single nucleotide variant.
Coding change: c.2099G>C on transcript NM_002292.4 (MANE Select); coding-DNA position 2099, G replaced by C.
Protein change: p.Gly700Ala; replaces glycine 700 with alanine.
Molecular consequence: missense variant.
Genome position (GRCh38, 1-based): chr3:49,126,417, C>G on the plus strand (G>C on the coding strand, the complement: LAMB2 is on the minus strand). VCF-style: chr3-49126417-C-G. GRCh37 (hg19) VCF-style: chr3-49163850-C-G.
Other names: short protein forms G700A.
Identifiers: ClinVar variation 651165 (VCV000651165.8), dbSNP rs142860588, ClinGen allele CA2394406.